The following is an entry in ClinVar:

NM_000642.3(AGL):c.3362G>T (p.Arg1121Met)

Gene: AGL (amylo-alpha-1,6-glucosidase and 4-alpha-glucanotransferase; plus strand). Cytogenetic location: 1p21.2.
Variant type: single nucleotide variant.
Coding change: c.3362G>T on transcript NM_000642.3 (MANE Select); coding-DNA position 3362, G replaced by T.
Protein change: p.Arg1121Met; replaces arginine 1121 with methionine.
Molecular consequence: missense variant.
Genome position (GRCh38, 1-based): chr1:99,896,388, G>T. VCF-style: chr1-99896388-G-T. GRCh37 (hg19) VCF-style: chr1-100361944-G-T.
Other names: c.3362G>T, p.Arg1121Met (NM_000028.3, NM_000643.3, NM_000644.3 and 1 more transcripts); c.3314G>T, p.Arg1105Met (NM_000646.3); c.3341G>T, p.Arg1114Met (NM_001425326.1); c.3161G>T, p.Arg1054Met (NM_001425327.1); c.3158G>T, p.Arg1053Met (NM_001425328.1); c.3023G>T, p.Arg1008Met (NM_001425329.1); c.2984G>T, p.Arg995Met (NM_001425332.1); short protein forms R1105M, R1121M, R1008M, R1053M, R1054M, R1114M, R995M.
Identifiers: ClinVar variation 1698860 (VCV001698860.2), dbSNP rs1653326843, ClinGen allele CA341329029.

ClinVar aggregate classification (germline): Uncertain significance (1 of 4 stars; one submission).

Conditions:
Glycogen storage disease type III (GSD3). Also called: Cori disease; FORBES DISEASE. Identifiers: Orphanet 366, MedGen C0017922, MONDO:0009291, OMIM 232400.

Submission:

Genetics and Molecular Pathology, SA Pathology
Classification: Uncertain significance for Glycogen storage disease type III. Last evaluated: 2021-07-12. Review status: criteria provided, single submitter. Criteria: ACMG Guidelines, 2015. Collection method: clinical testing. Allele origin: germline. Inheritance: Autosomal recessive inheritance. Affected: yes.
Comment: The AGL c.3362G>T variant is classified as VUS (PM2, PM5, PP3_Moderate) he AGL c.3362G>T variant is a single nucleotide change in exon 25 of the AGL gene, which is predicted to change the amino acid arginine at position 1121 in the protein to methionine. This variant is absent from population databases (PM2). This variant is a novel missense change at an amino acid residue where a different missense change has been seen before (PM5). Computational predictions support a deleterious effect on the gene or gene product (Last base of exon, predicted to affect splicing. ) (PP3). This variant has not been reported in dbSNP, ClinVar or HGMD. Detected with a pathogenic variant, phase unknown.